The following is an entry in ClinVar:

NM_015046.7(SETX):c.6176T>A (p.Phe2059Tyr)

Gene: SETX (senataxin; minus strand). Cytogenetic location: 9q34.13.
Variant type: single nucleotide variant.
Coding change: c.6176T>A on transcript NM_015046.7 (MANE Select); coding-DNA position 6176, T replaced by A.
Protein change: p.Phe2059Tyr; replaces phenylalanine 2059 with tyrosine.
Molecular consequence: missense variant.
Genome position (GRCh38, 1-based): chr9:132,288,582, A>T on the plus strand (T>A on the coding strand, the complement: SETX is on the minus strand). VCF-style: chr9-132288582-A-T. GRCh37 (hg19) VCF-style: chr9-135163969-A-T.
Other names: c.6176T>A, p.Phe2059Tyr (NM_001351527.2, NM_001351528.2); short protein forms F2059Y.
Identifiers: ClinVar variation 4682288 (VCV004682288.1).
Genomic context (GRCh38, chr9:132,288,582, plus strand): 5'-ACTAGTATATACCACATTCAGTACTTACTCATTCTGTGGTTTACTTGGCTGTCCAAACTG[A>T]ACTTTAGAACCTCACTATTAATAGACTTTTCTGGACCCAGTCGTACTAAATTTATATCTC-3'
Protein context (NP_055861.3, residues 2049-2069): EKSINSEVLK[Phe2059Tyr]SLDSQVNHRM

ClinVar aggregate classification (germline): Uncertain significance (1 of 4 stars; one submission).

gnomAD v4.1: 7 of 1,613,670 alleles (0.00043%); highest among the groups gnomAD compares: South Asian, 0.0066%; 1 homozygote.

Submission:

Athena Diagnostics
Classification: Uncertain significance. Last evaluated: 2025-09-29. Review status: criteria provided, single submitter. Criteria: Athena Diagnostics Criteria. Collection method: clinical testing. Allele origin: unknown.
Comment: Available data are insufficient to determine the clinical significance of the variant at this time. The frequency of this variant in the general population is uninformative in assessment of its pathogenicity. Polyphen and MutationTaster yielded discordant predictions regarding whether this amino acid change is damaging to the protein.